The following continues an entry in ClinVar:

NM_000520.6(HEXA):c.1510C>T (p.Arg504Cys)

Gene: HEXA. ClinVar aggregate classification (germline): Pathogenic/Likely pathogenic. Pathogenic (12); Likely pathogenic (1).

Submissions 11 to 15 of 15:

ARUP Laboratories, Molecular Genetics and Genomics, ARUP Laboratories
Classification: Pathogenic. Last evaluated: 2018-12-17. Review status: criteria provided, single submitter. Criteria: ARUP Molecular Germline Variant Investigation Process. Collection method: clinical testing. Allele origin: germline.
Comment: The HEXA c.1510C>T; p.Arg504Cys variant (rs28942071) has been described in individuals affected with Tay-Sachs disease (TSD; Alki 1991, Montalvo 2005, Neudorfer 2005, Shapiro 2009) and GM2-gangliosidosis (Ragahavan 1985). It contains an entry in ClinVar (Variation ID: 3906) and is observed in the general population at a low overall frequency of 0.0024% (6/251454 alleles) in the Genome Aggregation database. Fibroblasts from patients harboring this variant show reduced beta-hexosaminidase A and defective GM2 ganglioside metabolism (Raghavan 1985). Further analyses of the variant protein demonstrate impaired dimerization and loss of association of alpha and beta subunits (d'Azzo 1984, Paw 1991). Additionally, other variants at this codon (c.1511G>A; p.Arg504His and c.1511G>T; p.Arg504Leu) have been described in individuals affected with TSD (Montalvo 2005, Zampieri 2012). Based on available information, the p.Arg504Cys variant is considered pathogenic. REFERENCES Alki S et al. Seven novel Tay-Sachs mutations detected by chemical mismatch cleavage of PCR-amplified cDNA fragments. Genomics. 1991 Sep;11(1):124-34. d'Azzo A et al. Faulty association of alpha- and beta-subunits in some forms of beta-hexosaminidase A deficiency. J Biol Chem. 1984 Sep 10;259(17):11070-4. Montalvo A et al. Molecular analysis of the HEXA gene in Italian patients with infantile and late onset Tay-Sachs disease: detection of fourteen novel alleles. Hum Mutat. 2005 Sep;26(3):282. Neudorfer O et al. Late-onset Tay-Sachs disease: phenotypic characterization and genotypic correlations in 21 affected patients. Genet Med. 2005 Feb;7(2):119-23. Paw B et al. A third mutation at the CpG dinucleotide of codon 504 and a silent mutation at codon 506 of the HEX A gene. Am J Hum Genet. 1991 Jun;48(6):1139-46. Raghavan S et al. GM2-ganglioside metabolism in hexosaminidase A deficiency states: determination in situ using labeled GM2 added to fibroblast cultures. Am J Hum Genet. 1985 Nov;37(6):1071-82. Shapiro B et al. Late-onset Tay-Sachs disease presenting as a childhood stutter. J Neurol Neurosurg Psychiatry. 2009 Jan;80(1):94-5. Zampieri S et al. Molecular analysis of HEXA gene in Argentinean patients affected with Tay-Sachs disease: possible common origin of the prevalent c.459+5A>G mutation. Gene. 2012 May 15;499(2):262-5.

Women's Health and Genetics/Laboratory Corporation of America, LabCorp
Classification: Pathogenic for Tay-Sachs disease. Last evaluated: 2017-09-18. Review status: criteria provided, single submitter. Criteria: LabCorp Variant Classification Summary - May 2015. Collection method: clinical testing. Allele origin: germline.
Comment: Variant summary: The HEXA c.1510C>T (p.Arg504Cys) variant causes a missense change involving the alteration of a conserved nucleotide located in the Glycoside hydrolase superfamily domain (IPR017853) (InterPro). 5/5 in silico tools predict a damaging outcome for this variant. One functional study confirmed these predictions by finding no enzymatic activity associated with this variant (Paw_1991). The variant was found in the control population dataset of ExAC in 2/121476 control chromosomes at a frequency of 0.0000165, which does not exceed the estimated maximal expected allele frequency of a pathogenic HEXA variant (0.0013975). This variant was reported in multiple patients with Tay-Sachs disease, as a homozygous allele (Akli_1991) and in compound heterozygosity with c.805G>A (p.G269S)(pathogenic in our internal database), c.615delG (p.V206X)(not in our internal database, not in HGMD/ClinVar), and c.346+1G>A (not in our internal database, DM in HGMD)(Neudorfer_2005, Montalvo_2005, Akli_1991). In addition, multiple clinical diagnostic laboratories/reputable databases classified this variant as likely pathogenic/pathogenic. Taken together, this variant is classified as pathogenic.

Kariminejad - Najmabadi Pathology & Genetics Center
Classification: Pathogenic for Tay-Sachs disease. Review status: criteria provided, single submitter. Criteria: ACMG Guidelines, 2015. Collection method: clinical testing. Allele origin: germline. Affected: no.

Counsyl
Classification: Likely pathogenic for Tay-Sachs disease. Last evaluated: 2014-04-18. Review status: no assertion criteria provided. Collection method: literature only. Allele origin: unknown. Inheritance: Autosomal recessive inheritance. Not counted in ClinVar's aggregate classification.

OMIM
Classification: Pathogenic for GM2-GANGLIOSIDOSIS, CHRONIC. Last evaluated: 1991-09-01. Review status: no assertion criteria provided. Collection method: literature only. Allele origin: germline. Not counted in ClinVar's aggregate classification.

Literature cited by the submitters: PubMed 22441121 (cited by Variantyx, Inc. and Counsyl); PubMed 1837283 (cited by 8 submitters); PubMed 33176815 (cited by Variantyx, Inc.); PubMed 38112342 (cited by Variantyx, Inc.); PubMed 1827944 (cited by 6 submitters); PubMed 25860343 (cited by 3 submitters); PubMed 19091716 (cited by 3 submitters); PubMed 9694901 (cited by Labcorp Genetics (formerly Invitae), Labcorp); PubMed 16088929 (cited by 6 submitters); PubMed 15714079 (cited by 6 submitters); PubMed 2140574 (cited by 3billion); PubMed 14577003 (cited by Mayo Clinic Laboratories, Mayo Clinic and Counsyl); PubMed 18490185 (cited by Mayo Clinic Laboratories, Mayo Clinic and Counsyl); PubMed 24498621 (cited by Mayo Clinic Laboratories, Mayo Clinic); PubMed 27362553 (cited by Mayo Clinic Laboratories, Mayo Clinic); PubMed 2934978 (cited by Counsyl and OMIM); PubMed 6236221 (cited by Counsyl).